The following is an entry in ClinVar:

NM_000535.7(PMS2):c.250+1G>T

Gene: PMS2 (PMS1 homolog 2, mismatch repair system component; minus strand). Cytogenetic location: 7p22.1.
Variant type: single nucleotide variant.
Coding change: c.250+1G>T on transcript NM_000535.7 (MANE Select); the canonical splice donor site of the intron after coding-DNA position 250, G replaced by T.
Molecular consequence: splice donor variant. On other transcripts: intron variant (1).
Genome position (GRCh38, 1-based): chr7:6,003,971, C>A on the plus strand (G>T on the coding strand, the complement: PMS2 is on the minus strand). VCF-style: chr7-6003971-C-A. GRCh37 (hg19) VCF-style: chr7-6043602-C-A.
Other names: c.35+1G>T (NM_001322008.2, NM_001406902.1, NM_001406883.1 and 4 more transcripts); c.-132+1G>T (NM_001406881.1, NM_001406900.1); c.-103+1G>T (NM_001406895.1, NM_001406904.1, NM_001406889.1 and 6 more transcripts); c.-156+1G>T (NM_001406911.1, NM_001322010.2, NM_001322004.2 and 13 more transcripts); c.-235+1G>T (NM_001406879.1, NM_001322015.2, NM_001406878.1 and 3 more transcripts); c.-635+1G>T (NM_001322012.2, NM_001322011.2); c.-52-1335G>T (NM_001406896.1); c.250+1G>T (NM_001406885.1, NM_001406886.1, NM_001406884.1 and 10 more transcripts); and 3 more.
Identifiers: ClinVar variation 4294205 (VCV004294205.1).

ClinVar aggregate classification (germline): Likely pathogenic (1 of 4 stars; one submission).

Conditions:
Lynch syndrome 4 (LYNCH4). Also called: Colorectal cancer, hereditary nonpolyposis, type 4; Hereditary non-polyposis colorectal cancer, type 4. Identifiers: Orphanet 144, MedGen C1838333, MONDO:0013699, OMIM 614337. Disease mechanism: loss of function.

Submission:

Myriad Genetics, Inc.
Classification: Likely pathogenic for Lynch syndrome 4. Last evaluated: 2025-07-07. Review status: criteria provided, single submitter. Criteria: Myriad Autosomal Dominant, Autosomal Recessive and X-Linked Classification Criteria (2023). Collection method: clinical testing. Allele origin: unknown.
Comment: This variant is considered likely pathogenic. This variant occurs within a consensus splice junction and is predicted to result in abnormal mRNA splicing of either an out-of-frame exon or an in-frame exon necessary for protein stability and/or normal function.